The following is an entry in ClinVar:

NM_020376.4(PNPLA2):c.1339C>T (p.Leu447Phe)

Gene: PNPLA2 (patatin like domain 2, triacylglycerol lipase; plus strand). Cytogenetic location: 11p15.5.
Variant type: single nucleotide variant.
Coding change: c.1339C>T on transcript NM_020376.4 (MANE Select); coding-DNA position 1339, C replaced by T.
Protein change: p.Leu447Phe; replaces leucine 447 with phenylalanine.
Molecular consequence: missense variant.
Genome position (GRCh38, 1-based): chr11:824,686, C>T. VCF-style: chr11-824686-C-T. GRCh37 (hg19) VCF-style: chr11-824686-C-T.
Other names: short protein forms L447F.
Identifiers: ClinVar variation 534198 (VCV000534198.9), dbSNP rs769822451, ClinGen allele CA5791376.

ClinVar aggregate classification (germline): Uncertain significance. Review status: criteria provided, multiple submitters, no conflicts (2 of 4 stars). 2 submissions from 2 submitters: Uncertain significance (2). Last evaluated 2023-04-11.

Conditions:
Inborn genetic diseases. Identifiers: MedGen C0950123, MeSH D030342.
Neutral lipid storage myopathy (NLSDM). Also called: NEUTRAL LIPID STORAGE DISEASE WITHOUT ICHTHYOSIS. Identifiers: Orphanet 98908, MedGen C1853136, MONDO:0012545, OMIM 610717.

Allele frequency attached by ClinVar (database versions not stated): gnomAD 0.00001 and 0.00003; TOPMed 0.00001; gnomAD exomes 0.00005 and 0.00010; ExAC 0.00016.
gnomAD v4.1: 68 of 1,596,162 alleles (0.0043%); highest among the groups gnomAD compares: South Asian, 0.072%; no homozygotes.

Submissions (2):

Ambry Genetics
Classification: Uncertain significance for Inborn genetic diseases. Last evaluated: 2023-04-11. Review status: criteria provided, single submitter. Criteria: Ambry Variant Classification Scheme 2023. Collection method: clinical testing. Allele origin: germline.

Labcorp Genetics (formerly Invitae), Labcorp
Classification: Uncertain significance for Neutral lipid storage myopathy. Last evaluated: 2021-08-31. Review status: criteria provided, single submitter. Criteria: Invitae Variant Classification Sherloc (09022015). Collection method: clinical testing. Allele origin: germline.
Comment: This sequence change replaces leucine with phenylalanine at codon 447 of the PNPLA2 protein (p.Leu447Phe). The leucine residue is moderately conserved and there is a small physicochemical difference between leucine and phenylalanine. This variant is present in population databases (rs769822451, ExAC 0.09%). This variant has not been reported in the literature in individuals affected with PNPLA2-related conditions. ClinVar contains an entry for this variant (Variation ID: 534198). Algorithms developed to predict the effect of missense changes on protein structure and function are either unavailable or do not agree on the potential impact of this missense change (SIFT: "Deleterious"; PolyPhen-2: "Probably Damaging"; Align-GVGD: "Class C0"). In summary, the available evidence is currently insufficient to determine the role of this variant in disease. Therefore, it has been classified as a Variant of Uncertain Significance.